The following is an entry in ClinVar:

ClinVar aggregate classification (germline): Uncertain significance (1 of 4 stars; one submission).

Conditions:
Hereditary cancer-predisposing syndrome. Also called: Neoplastic Syndromes, Hereditary; Tumor predisposition; Hereditary Cancer Syndrome; Hereditary neoplastic syndrome. Identifiers: Orphanet 140162, MedGen C0027672, MeSH D009386, MONDO:0015356.

Submission:

Ambry Genetics
Classification: Uncertain significance for Hereditary cancer-predisposing syndrome. Last evaluated: 2026-05-14. Review status: criteria provided, single submitter. Criteria: Ambry Variant Classification Scheme 2023. Collection method: clinical testing. Allele origin: germline.
Comment: The p.L565F variant (also known as c.1695G>C), located in coding exon 11 of the PMS2 gene, results from a G to C substitution at nucleotide position 1695. The leucine at codon 565 is replaced by phenylalanine, an amino acid with highly similar properties. This amino acid position is conserved. In addition, this alteration is predicted to be tolerated by in silico analysis. Based on the available evidence, the clinical significance of this variant remains unclear.

NM_000535.7(PMS2):c.1695G>C (p.Leu565Phe)

Gene: PMS2 (PMS1 homolog 2, mismatch repair system component; minus strand). Cytogenetic location: 7p22.1.
Variant type: single nucleotide variant.
Coding change: c.1695G>C on transcript NM_000535.7 (MANE Select); coding-DNA position 1695, G replaced by C.
Protein change: p.Leu565Phe; replaces leucine 565 with phenylalanine.
Molecular consequence: missense variant. On other transcripts: non-coding transcript variant (1), intron variant (1).
Genome position (GRCh38, 1-based): chr7:5,987,070, C>G on the plus strand (G>C on the coding strand, the complement: PMS2 is on the minus strand). VCF-style: chr7-5987070-C-G. GRCh37 (hg19) VCF-style: chr7-6026701-C-G.
Other names: c.1290G>C, p.Leu430Phe (NM_001406899.1, NM_001406908.1, NM_001406910.1 and 16 more transcripts); c.1230G>C, p.Leu410Phe (NM_001406900.1); c.1221G>C, p.Leu407Phe (NM_001406901.1, NM_001406902.1); c.1377G>C, p.Leu459Phe (NM_001406903.1, NM_001406876.1, NM_001406883.1 and 2 more transcripts); c.1182G>C, p.Leu394Phe (NM_001406904.1, NM_001406905.1); c.1134G>C, p.Leu378Phe (NM_001406906.1, NM_001406907.1, NM_001322010.2); c.1122G>C, p.Leu374Phe (NM_001406909.1, NM_001322013.2); c.924G>C, p.Leu308Phe (NM_001406911.1); and 13 more; short protein forms L254F, L308F, L374F, L378F, L394F, L407F, L410F, L430F.
Identifiers: ClinVar variation 4862119 (VCV004862119.1).